The following is an entry in ClinVar:

ClinVar aggregate classification (germline): Uncertain significance (1 of 4 stars; one submission).

Conditions:
Hereditary insensitivity to pain with anhidrosis (CIPA). Also called: HSAN Type IV; FAMILIAL DYSAUTONOMIA, TYPE II; hereditary sensory and autonomic neuropathy type 4; NTRK1 Congenital Insensitivity to Pain with Anhidrosis; NEUROPATHY, CONGENITAL SENSORY, WITH ANHIDROSIS; INSENSITIVITY TO PAIN, CONGENITAL, WITH ANHIDROSIS. Identifiers: Orphanet 642, MedGen C0020074, MONDO:0009746, OMIM 256800.

Allele frequency attached by ClinVar (database versions not stated): gnomAD exomes below 0.00001.
gnomAD v4.1: 1 of 1,607,592 alleles (0.000062%); no homozygotes.

Submission:

Labcorp Genetics (formerly Invitae), Labcorp
Classification: Uncertain significance for Hereditary insensitivity to pain with anhidrosis. Last evaluated: 2021-12-18. Review status: criteria provided, single submitter. Criteria: Invitae Variant Classification Sherloc (09022015). Collection method: clinical testing. Allele origin: germline.
Comment: This variant is not present in population databases (gnomAD no frequency). In summary, the available evidence is currently insufficient to determine the role of this variant in disease. Therefore, it has been classified as a Variant of Uncertain Significance. Advanced modeling of protein sequence and biophysical properties (such as structural, functional, and spatial information, amino acid conservation, physicochemical variation, residue mobility, and thermodynamic stability) performed at Invitae indicates that this missense variant is not expected to disrupt NTRK1 protein function. This variant has not been reported in the literature in individuals affected with NTRK1-related conditions. This sequence change replaces leucine, which is neutral and non-polar, with proline, which is neutral and non-polar, at codon 786 of the NTRK1 protein (p.Leu786Pro).

NM_002529.4(NTRK1):c.2375T>C (p.Leu792Pro)

Gene: NTRK1 (neurotrophic receptor tyrosine kinase 1; plus strand). Cytogenetic location: 1q23.1.
Variant type: single nucleotide variant.
Coding change: c.2375T>C on transcript NM_002529.4 (MANE Select); coding-DNA position 2375, T replaced by C.
Protein change: p.Leu792Pro; replaces leucine 792 with proline.
Molecular consequence: missense variant.
Genome position (GRCh38, 1-based): chr1:156,881,626, T>C. VCF-style: chr1-156881626-T-C. GRCh37 (hg19) VCF-style: chr1-156851418-T-C.
Other names: c.2375T>C, p.Leu792Pro (NM_001007204.1); c.2267T>C, p.Leu756Pro (NM_001007792.1); c.2357T>C, p.Leu786Pro (NM_001012331.2); short protein forms L786P, L756P, L792P.
Identifiers: ClinVar variation 2046357 (VCV002046357.2), dbSNP rs2525669120, ClinGen allele CA342941802.